The following is an entry in ClinVar:

NM_012123.4(MTO1):c.1814A>G (p.Asp605Gly)

Gene: MTO1 (mitochondrial tRNA translation optimization 1; plus strand). Cytogenetic location: 6q13.
Variant type: single nucleotide variant.
Coding change: c.1814A>G on transcript NM_012123.4 (MANE Select); coding-DNA position 1814, A replaced by G.
Protein change: p.Asp605Gly; replaces aspartic acid 605 with glycine.
Molecular consequence: missense variant.
Genome position (GRCh38, 1-based): chr6:73,497,793, A>G. VCF-style: chr6-73497793-A-G. GRCh37 (hg19) VCF-style: chr6-74207516-A-G.
Other names: c.1934A>G, p.Asp645Gly (NM_001123226.2); c.1889A>G, p.Asp630Gly (NM_133645.3); short protein forms D630G, D605G, D645G.
Identifiers: ClinVar variation 2120656 (VCV002120656.4), dbSNP rs2533311774, ClinGen allele CA364700909.

ClinVar aggregate classification (germline): Uncertain significance (1 of 4 stars; one submission).

Conditions:
Mitochondrial hypertrophic cardiomyopathy with lactic acidosis due to MTO1 deficiency. Also called: CARDIOMYOPATHY, INFANTILE HYPERTROPHIC MITOCHONDRIAL, AND LACTIC ACIDOSIS; Combined oxidative phosphorylation deficiency 10. Identifiers: Orphanet 314637, MedGen C4749921, MONDO:0013865, OMIM 614702.

Submission:

Labcorp Genetics (formerly Invitae), Labcorp
Classification: Uncertain significance for Mitochondrial hypertrophic cardiomyopathy with lactic acidosis due to MTO1 deficiency. Last evaluated: 2022-04-01. Review status: criteria provided, single submitter. Criteria: Invitae Variant Classification Sherloc (09022015). Collection method: clinical testing. Allele origin: germline.
Comment: In summary, the available evidence is currently insufficient to determine the role of this variant in disease. Therefore, it has been classified as a Variant of Uncertain Significance. Algorithms developed to predict the effect of sequence changes on RNA splicing suggest that this variant may disrupt the consensus splice site. Algorithms developed to predict the effect of missense changes on protein structure and function are either unavailable or do not agree on the potential impact of this missense change (SIFT: "Deleterious"; PolyPhen-2: "Possibly Damaging"; Align-GVGD: "Class C15"). This variant has not been reported in the literature in individuals affected with MTO1-related conditions. This variant is not present in population databases (gnomAD no frequency). This sequence change replaces aspartic acid, which is acidic and polar, with glycine, which is neutral and non-polar, at codon 605 of the MTO1 protein (p.Asp605Gly).